The following is an entry in ClinVar:

ClinVar aggregate classification (germline): Uncertain significance (1 of 4 stars; one submission).

Allele frequency attached by ClinVar (database versions not stated): ExAC 0.00001.
gnomAD v4.1: 9 of 1,613,476 alleles (0.00056%); highest among the groups gnomAD compares: Admixed American, 0.0017%; no homozygotes.

Submission:

Labcorp Genetics (formerly Invitae), Labcorp
Classification: Uncertain significance. Last evaluated: 2024-01-07. Review status: criteria provided, single submitter. Criteria: Invitae Variant Classification Sherloc (09022015). Collection method: clinical testing. Allele origin: germline.
Comment: This sequence change replaces histidine, which is basic and polar, with arginine, which is basic and polar, at codon 247 of the MRPS2 protein (p.His247Arg). This variant is present in population databases (rs757035832, gnomAD 0.002%). This variant has not been reported in the literature in individuals affected with MRPS2-related conditions. Advanced modeling of protein sequence and biophysical properties (such as structural, functional, and spatial information, amino acid conservation, physicochemical variation, residue mobility, and thermodynamic stability) performed at Invitae indicates that this missense variant is not expected to disrupt MRPS2 protein function with a negative predictive value of 80%. In summary, the available evidence is currently insufficient to determine the role of this variant in disease. Therefore, it has been classified as a Variant of Uncertain Significance.

NM_016034.5(MRPS2):c.740A>G (p.His247Arg)

Genes: MRPS2 (mitochondrial ribosomal protein S2; plus strand), LOC101928525 (uncharacterized LOC101928525; minus strand). Cytogenetic location: 9q34.3.
Variant type: single nucleotide variant.
Coding change: c.740A>G on transcript NM_016034.5 (MANE Select); coding-DNA position 740, A replaced by G.
Protein change: p.His247Arg; replaces histidine 247 with arginine.
Molecular consequence: missense variant. On other transcripts: non-coding transcript variant (4).
Genome position (GRCh38, 1-based): chr9:135,503,982, A>G. VCF-style: chr9-135503982-A-G. GRCh37 (hg19) VCF-style: chr9-138395828-A-G.
Other names: c.740A>G, p.His247Arg (NM_001371401.1); short protein forms H247R.
Identifiers: ClinVar variation 3011220 (VCV003011220.3), dbSNP rs757035832, ClinGen allele CA5324015.